The following is an entry in ClinVar:

ClinVar aggregate classification (germline): Uncertain significance (1 of 4 stars; one submission).

Submission:

Geisinger Autism and Developmental Medicine Institute, Geisinger Health System
Classification: Uncertain significance. Last evaluated: 2018-02-02. Review status: criteria provided, single submitter. Criteria: ACMG CNV Guidelines, 2011. Collection method: provider interpretation. Allele origin: unknown.
Comment: This duplication includes a portion of the TWIST2 and HDAC4 genes. TWIST2 is associated with the autosomal recessive disorder focal facial dermal dysplasis 3, Setleis type. Haploinsufficiency of HDAC4 is associated with brachydactyly-mental retardation syndrome. Duplications of these genes have not been associated with any particular conditions, however. The genetic testing laboratory indicated that they have seen duplications in the area, and several other duplications have been reported in DECIPHER, including a smaller overlapping variant in an individual with an abnormal face shape and intellectual disability (Case: 282651). This area is not known to vary in the general population. Parental testing has not been completed to date to determine if this variant is de novo or inherited.

Single allele

Genes: HDAC4 (histone deacetylase 4; minus strand), TWIST2 (twist family bHLH transcription factor 2; plus strand). Cytogenetic location: 2q37.3.
Variant type: Duplication.
Identifiers: ClinVar variation 560097 (VCV000560097.3).